The following continues an entry in ClinVar:

NM_201253.3(CRB1):c.498_506del (p.Ile167_Gly169del)

Gene: CRB1. ClinVar aggregate classification (germline): Conflicting classifications of pathogenicity. Pathogenic (16); Likely pathogenic (8); Likely benign (1).

Submissions 13 to 30 of 30:

Victorian Clinical Genetics Services, Murdoch Childrens Research Institute
Classification: Pathogenic for Retinitis pigmentosa 12. Last evaluated: 2022-02-02. Review status: criteria provided, single submitter. Criteria: ACMG Guidelines, 2015. Collection method: clinical testing. Allele origin: germline. Inheritance: Autosomal recessive inheritance.
Comment: Based on the classification scheme VCGS_Germline_v1.3.4, this variant is classified as pathogenic. The following criteria are met: 0102 - Loss of function is a known mechanism of disease in this gene and is associated with retinitis pigmentosa-12 (MIM#600105), Leber congenital amaurosis 8 (MIM#613835) and pigmented paravenous chorioretinal atrophy (MIM#172870). (I) 0108 - This gene is associated with both recessive and dominant disease (OMIM). Pigmented paravenous chorioretinal atrophy is reported as autosomal dominant but with only a single variant as evidence (p.(Val162Met)) (PMID: 15623792). While it segregated within a large family, this variant has a high frequency in the population and poor conservation with recent papers questioning its pathogenicity (PMID: 30910914). (I) 0115 - Variants in this gene are known to have variable expressivity. Expression of retinal disease can be variable, even within families (PMIDs: 33387055; 29391521; 22065545). (I) 0216 - In-frame deletion in a non-repetitive region that has low conservation. (SP) 0251 - This variant is heterozygous. (I) 0304 - Variant is present in gnomAD <0.01 for a recessive condition (v2) (172 heterozygotes, 1 homozygote). (SP) 0600 - Variant is located in the annotated calcium-binding EGF-like domain (NCBI Conserved domains). (I) 0801 - This variant has strong previous evidence of pathogenicity in unrelated individuals. This variant has been reported in more than 20 patients with a range of retinal disease including early onset retinitis pigmentosa and macular dystrophy (ClinVar, PMIDs: 29391521; 33387055; 23379534). (SP) Legend: (SP) - Supporting pathogenic, (I) - Information, (SB) - Supporting benign

AURAGEN, Plan France Médecine Génomique
Classification: Pathogenic for Retinal disorder. Last evaluated: 2022-01-24. Review status: criteria provided, single submitter. Criteria: PFMG2025 (Lancet Reg Health Eur. 2025). Collection method: clinical testing. Allele origin: germline. Affected: yes.

Institute of Human Genetics, Univ. Regensburg, Univ. Regensburg
Classification: Likely pathogenic for Retinal dystrophy. Last evaluated: 2022-01-01. Review status: criteria provided, single submitter. Criteria: ACMG Guidelines, 2015. Collection method: clinical testing. Allele origin: germline. Affected: yes.

GeneDx
Classification: Pathogenic. Last evaluated: 2021-12-28. Review status: criteria provided, single submitter. Criteria: GeneDx Variant Classification Process June 2021. Collection method: clinical testing. Allele origin: germline. Affected: yes.
Comment: In-frame deletion of 3 amino acids in a non-repeat region; In silico analysis, which includes protein predictors and evolutionary conservation, supports a deleterious effect; This variant is associated with the following publications: (PMID: 27628848, 25474345, 17297689, 30609409, 31047384, 32511120, 23379534, 27096895, 28041643, 27258436, 28819299, 28181551, 29391521, 29555955, 29869924, 31879567, 33773389, 33029571, 32037395)

Institute of Medical Molecular Genetics, University of Zurich
Classification: Likely pathogenic for CRB1-related maculopathy. Last evaluated: 2021-01-30. Review status: criteria provided, single submitter. Criteria: ACMG Guidelines, 2015. Collection method: clinical testing. Allele origin: germline. Affected: yes.

Institute of Medical Genetics and Applied Genomics, University Hospital Tübingen
Classification: Pathogenic. Last evaluated: 2020-10-23. Review status: criteria provided, single submitter. Criteria: ACMG Guidelines, 2015. Collection method: clinical testing. Allele origin: germline. Inheritance: Autosomal recessive inheritance. Affected: yes.

Mendelics
Classification: Likely pathogenic for Leber congenital amaurosis 1. Last evaluated: 2019-05-28. Review status: criteria provided, single submitter. Criteria: Mendelics Assertion Criteria 2017. Collection method: clinical testing. Allele origin: unknown.

Illumina Laboratory Services, Illumina
Classification: Pathogenic for CRB1-Related Disorders. Last evaluated: 2018-08-09. Review status: criteria provided, single submitter. Criteria: ICSL Variant Classification Criteria 09 May 2019. Collection method: clinical testing. Allele origin: germline.
Comment: The CRB1 c.498_506delAATTGATGG (p.Ile167_Gly169del) variant is an inframe deletion that has been reported in at least five studies in which it is identified in a total of 10 individuals, including in one in a homozygous state and in nine in a compound heterozygous state, and in three additional alleles (Corton et al. 2013; Zaneveld et al. 2015; Sergouniotis et al. 2016; Carss et al. 2017; Shah et al. 2017). Individuals with the variant present with a range of phenotypes including early-onset retinitis pigmentosa, Stargardt macular dystrophy, isolated maculopathy, macular dystrophy, and retinal dystrophy. No individuals with the variant have been reported with Leber congenital amaurosis or pigmented paravenous chorioretinal atrophy. Control data are unavailable for this variant, which is reported at a frequency of 0.00108 in the Ashkenazi Jewish population of the Genome Aggregation Database. Based on the collective evidence, the p.Ile167_Gly169del variant is classified as pathogenic for CRB1-related disorders. This variant was observed by ICSL as part of a predisposition screen in an ostensibly healthy population.

Laboratory for Molecular Medicine, Mass General Brigham Personalized Medicine
Classification: Likely pathogenic for Autosomal recessive bestrophinopathy. Last evaluated: 2017-11-29. Review status: criteria provided, single submitter. Criteria: LMM Criteria. Collection method: clinical testing. Allele origin: germline. Inheritance: Autosomal recessive inheritance. Observed: 2 variant alleles.
Comment: The p.Ile98_Gly100del (NM_001257965.1 c.291_299delAATTGATGG) variant in CRB1 (al so reported as NM_201253.2:p.Ile167_Gly169del) has been previously reported in 1 homozygous and 7 compound heterozygous individuals with retinal disorders inclu ding retinal dystrophy, retinitis pigmentosa, and familial foveal retinoschisis (Corton 2013, Vincent 2016, Riera 2017). It has also been identified in 0.1% (12 4/126,500) of European chromosomes by the Genome Aggregation Database (gnomAD; dbSNP rs748136623). This variant is a deletion of 3 amino acids at position 98-100, and it is unclear if this deletion will imp act the protein. In summary, although additional studies are required to fully e stablish its clinical significance, the p.Ile98_Gly100del variant is likely path ogenic for retinal disorders based on its biallelic occurrence individuals with these diseases. ACMG/AMP Criteria applied: PM3 (upgraded to Strong based on mult iple occurrences), PM4 (Richards 2015).

Leeds Institute of Medical Research, University of Leeds
Classification: Pathogenic for Macular dystrophy. Last evaluated: 2017-10-27. Review status: criteria provided, single submitter. Criteria: Khan et al. (Eur J Hum Genet. 2018). Collection method: research. Allele origin: germline. Affected: yes.

Eurofins Ntd Llc (ga)
Classification: Likely benign. Last evaluated: 2013-09-25. Review status: criteria provided, single submitter. Criteria: EGL Classification Definitions 2015. Collection method: clinical testing. Allele origin: germline. Observed: 1 variant allele, 1 heterozygote.

Clinical Genetics Service, Universitary Hospital 12 de Octubre
Classification: Likely pathogenic for Retinitis pigmentosa 12. Review status: criteria provided, single submitter. Criteria: ACMG Guidelines, 2015. Collection method: clinical testing. Allele origin: germline. Affected: yes.

Kariminejad - Najmabadi Pathology & Genetics Center
Classification: Likely pathogenic for Leber congenital amaurosis 8. Review status: criteria provided, single submitter. Criteria: ACMG Guidelines, 2015. Collection method: clinical testing. Allele origin: germline. Affected: no.

Joint Genome Diagnostic Labs from Nijmegen and Maastricht, Radboudumc and MUMC+
Classification: Pathogenic for Macular dystrophy. Last evaluated: 2016-09-01. Review status: no assertion criteria provided. Collection method: clinical testing. Allele origin: unknown. Affected: yes. Observed: 1 variant allele. Not counted in ClinVar's aggregate classification.

NIHR Bioresource Rare Diseases, University of Cambridge
Classification: Likely pathogenic for Macular dystrophy. Last evaluated: 2015-01-01. Review status: no assertion criteria provided. Collection method: research. Allele origin: unknown. Affected: yes. Observed: 2 variant alleles. Not counted in ClinVar's aggregate classification.

Clinical Genetics DNA and cytogenetics Diagnostics Lab, Erasmus MC, Erasmus Medical Center
Classification: Uncertain significance. Review status: no assertion criteria provided. Collection method: clinical testing. Allele origin: germline. Affected: yes. Study: VKGL Data-share Consensus. Not counted in ClinVar's aggregate classification.

Clinical Genetics, Academic Medical Center
Classification: Uncertain significance. Review status: no assertion criteria provided. Collection method: clinical testing. Allele origin: germline. Affected: yes. Study: VKGL Data-share Consensus. Not counted in ClinVar's aggregate classification.

Laboratory of Genetics in Ophthalmology, Institut Imagine
Classification: Pathogenic for Leber congenital amaurosis 8. Review status: no assertion criteria provided. Collection method: research. Allele origin: maternal. Affected: yes. Observed: 2 variant alleles. Not counted in ClinVar's aggregate classification.

Literature cited by the submitters: PubMed 23379534 (cited by 8 submitters); PubMed 28181551 (cited by Labcorp Genetics (formerly Invitae), Labcorp and Laboratory for Molecular Medicine, Mass General Brigham Personalized Medicine); PubMed 31875109 (cited by 3 submitters); PubMed 25474345 (cited by 3 submitters); PubMed 33387055 (cited by 3 submitters); PubMed 34783605 (cited by Variantyx, Inc. and Institute of Human Genetics, Univ. Regensburg, Univ. Regensburg); PubMed 34884448 (cited by Variantyx, Inc. and Institute of Human Genetics, Univ. Regensburg, Univ. Regensburg); PubMed 36909829 (cited by Ophthalmic Genetics Group, Institute of Molecular and Clinical Ophthalmology Basel); PubMed 15623792 (cited by Victorian Clinical Genetics Services, Murdoch Childrens Research Institute); PubMed 22065545 (cited by Victorian Clinical Genetics Services, Murdoch Childrens Research Institute); PubMed 29391521 (cited by Victorian Clinical Genetics Services, Murdoch Childrens Research Institute); PubMed 30910914 (cited by Victorian Clinical Genetics Services, Murdoch Childrens Research Institute); PubMed 27628848 (cited by Institute of Human Genetics, Univ. Regensburg, Univ. Regensburg and Illumina Laboratory Services, Illumina); PubMed 28041643 (cited by 3 submitters); PubMed 27096895 (cited by Institute of Human Genetics, Univ. Regensburg, Univ. Regensburg and Illumina Laboratory Services, Illumina); PubMed 29555955 (cited by Institute of Human Genetics, Univ. Regensburg, Univ. Regensburg); PubMed 31047384 (cited by Institute of Human Genetics, Univ. Regensburg, Univ. Regensburg); PubMed 29869924 (cited by Institute of Human Genetics, Univ. Regensburg, Univ. Regensburg); PubMed 30609409 (cited by Institute of Human Genetics, Univ. Regensburg, Univ. Regensburg); PubMed 31964843 (cited by Institute of Human Genetics, Univ. Regensburg, Univ. Regensburg); PubMed 31980526 (cited by Institute of Human Genetics, Univ. Regensburg, Univ. Regensburg); PubMed 33029571 (cited by Institute of Human Genetics, Univ. Regensburg, Univ. Regensburg); PubMed 32581362 (cited by Institute of Human Genetics, Univ. Regensburg, Univ. Regensburg); PubMed 32531858 (cited by Institute of Human Genetics, Univ. Regensburg, Univ. Regensburg); PubMed 32037395 (cited by Institute of Human Genetics, Univ. Regensburg, Univ. Regensburg); PubMed 33773389 (cited by Institute of Human Genetics, Univ. Regensburg, Univ. Regensburg); PubMed 34426522 (cited by Institute of Human Genetics, Univ. Regensburg, Univ. Regensburg); PubMed 34003923 (cited by Institute of Human Genetics, Univ. Regensburg, Univ. Regensburg); PubMed 33749171 (cited by Institute of Human Genetics, Univ. Regensburg, Univ. Regensburg); PubMed 35119454 (cited by Institute of Human Genetics, Univ. Regensburg, Univ. Regensburg); PubMed 36460718 (cited by Institute of Human Genetics, Univ. Regensburg, Univ. Regensburg); PubMed 35456422 (cited by Institute of Human Genetics, Univ. Regensburg, Univ. Regensburg); PubMed 36819107 (cited by Institute of Human Genetics, Univ. Regensburg, Univ. Regensburg); PubMed 27258436 (cited by Laboratory for Molecular Medicine, Mass General Brigham Personalized Medicine); PubMed 28819299 (cited by Laboratory for Molecular Medicine, Mass General Brigham Personalized Medicine); PubMed 17297678 (cited by NIHR Bioresource Rare Diseases, University of Cambridge); PubMed 17128490 (cited by Laboratory of Genetics in Ophthalmology, Institut Imagine).